The following is an entry in ClinVar:

NM_203447.4(DOCK8):c.5173G>A (p.Glu1725Lys)

Gene: DOCK8 (dedicator of cytokinesis 8; plus strand). Cytogenetic location: 9p24.3.
Variant type: single nucleotide variant.
Coding change: c.5173G>A on transcript NM_203447.4 (MANE Select); coding-DNA position 5173, G replaced by A.
Protein change: p.Glu1725Lys; replaces glutamic acid 1725 with lysine.
Molecular consequence: missense variant.
Genome position (GRCh38, 1-based): chr9:439,338, G>A. VCF-style: chr9-439338-G-A. GRCh37 (hg19) VCF-style: chr9-439338-G-A.
Other names: c.4873G>A, p.Glu1625Lys (NM_001190458.2); c.4969G>A, p.Glu1657Lys (NM_001193536.2); short protein forms E1625K, E1725K, E1657K.
Identifiers: ClinVar variation 1461710 (VCV001461710.7), dbSNP rs747368033, ClinGen allele CA4959332.
Genomic context (GRCh38, chr9:439,338, plus strand): 5'-GTCTCTGAGGACACCCTGTCACCTGACGAGGATGGGGTGTGCGCAGGCCAGTACTTCACC[G>A]AGAGTGGCCTGGTAGGCCTCCTGGAGCAGGCCGCGGAGCTCTTCAGCACGGTCAGTGCCC-3'
Protein context (NP_982272.2, residues 1715-1735): DGVCAGQYFT[Glu1725Lys]SGLVGLLEQA

ClinVar aggregate classification (germline): Uncertain significance (1 of 4 stars; one submission).

Allele frequency attached by ClinVar (database versions not stated): TOPMed below 0.00001; ExAC 0.00002; gnomAD exomes 0.00002.

Submission:

Labcorp Genetics (formerly Invitae), Labcorp
Classification: Uncertain significance for Combined immunodeficiency due to DOCK8 deficiency. Last evaluated: 2024-08-14. Review status: criteria provided, single submitter. Criteria: Invitae Variant Classification Sherloc (09022015). Collection method: clinical testing. Allele origin: germline.
Comment: This sequence change replaces glutamic acid, which is acidic and polar, with lysine, which is basic and polar, at codon 1725 of the DOCK8 protein (p.Glu1725Lys). This variant is present in population databases (rs747368033, gnomAD 0.006%). This variant has not been reported in the literature in individuals affected with DOCK8-related conditions. ClinVar contains an entry for this variant (Variation ID: 1461710). Invitae Evidence Modeling of protein sequence and biophysical properties (such as structural, functional, and spatial information, amino acid conservation, physicochemical variation, residue mobility, and thermodynamic stability) indicates that this missense variant is expected to disrupt DOCK8 protein function with a positive predictive value of 80%. In summary, the available evidence is currently insufficient to determine the role of this variant in disease. Therefore, it has been classified as a Variant of Uncertain Significance.